The following is an entry in ClinVar:

NM_024408.4(NOTCH2):c.6349C>T (p.Pro2117Ser)

Gene: NOTCH2 (notch receptor 2; minus strand). Cytogenetic location: 1p12.
Variant type: single nucleotide variant.
Coding change: c.6349C>T on transcript NM_024408.4 (MANE Select); coding-DNA position 6349, C replaced by T.
Protein change: p.Pro2117Ser; replaces proline 2117 with serine.
Molecular consequence: missense variant.
Genome position (GRCh38, 1-based): chr1:119,916,373, G>A on the plus strand (C>T on the coding strand, the complement: NOTCH2 is on the minus strand). VCF-style: chr1-119916373-G-A. GRCh37 (hg19) VCF-style: chr1-120458996-G-A.
Other names: short protein forms P2117S.
Identifiers: ClinVar variation 4823279 (VCV004823279.4).

ClinVar aggregate classification (germline): Uncertain significance (1 of 4 stars; one submission).

Submission:

CeGaT Center for Human Genetics Tuebingen
Classification: Uncertain significance. Last evaluated: 2026-01-01. Review status: criteria provided, single submitter. Criteria: CeGaT Center For Human Genetics Tuebingen Variant Classification Criteria Version 2. Collection method: clinical testing. Allele origin: germline. Affected: yes. Observed: 1 variant allele.
Comment: NOTCH2: PM2, BP4